The following is an entry in ClinVar:

NM_032043.3(BRIP1):c.2841G>A (p.Gln947=)

Gene: BRIP1 (BRCA1 interacting DNA helicase 1; minus strand). Cytogenetic location: 17q23.2.
Variant type: single nucleotide variant.
Coding change: c.2841G>A on transcript NM_032043.3 (MANE Select); coding-DNA position 2841, G replaced by A.
Protein change: p.Gln947=; no amino-acid change (glutamine 947 retained).
Molecular consequence: synonymous variant.
Genome position (GRCh38, 1-based): chr17:61,685,900, C>T on the plus strand (G>A on the coding strand, the complement: BRIP1 is on the minus strand). VCF-style: chr17-61685900-C-T. GRCh37 (hg19) VCF-style: chr17-59763261-C-T.
Identifiers: ClinVar variation 184345 (VCV000184345.18), dbSNP rs786201414, ClinGen allele CA188671.

ClinVar aggregate classification (germline): Benign/Likely benign. Review status: criteria provided, multiple submitters, no conflicts (2 of 4 stars). 4 submissions from 4 submitters: Benign (1); Likely benign (3). Last evaluated 2025-08-02.

Conditions:
Hereditary cancer-predisposing syndrome. Also called: Tumor predisposition; Hereditary Cancer Syndrome; Hereditary neoplastic syndrome; Neoplastic Syndromes, Hereditary. Identifiers: Orphanet 140162, MedGen C0027672, MeSH D009386, MONDO:0015356.
Familial cancer of breast. Also called: BREAST CANCER, FAMILIAL; hereditary breast carcinoma; Hereditary breast cancer. Identifiers: Orphanet 227535, MedGen C0346153, MONDO:0016419, OMIM 114480. Disease mechanism: loss of function.
Fanconi anemia complementation group J. Also called: BRIP1-Related Fanconi Anemia. Identifiers: Orphanet 84, MedGen C1836860, MONDO:0012187, OMIM 609054.

Allele frequency attached by ClinVar (database versions not stated): gnomAD exomes below 0.00001 and 0.00001; TOPMed below 0.00001; gnomAD 0.00001.
gnomAD v4.1: 6 of 1,613,904 alleles (0.00037%); highest among the groups gnomAD compares: South Asian, 0.0011%; no homozygotes.

Submissions (4):

Labcorp Genetics (formerly Invitae), Labcorp
Classification: Likely benign for Familial cancer of breast; Fanconi anemia complementation group J. Last evaluated: 2025-08-02. Review status: criteria provided, single submitter. Criteria: Invitae Variant Classification Sherloc (09022015). Collection method: clinical testing. Allele origin: germline.

Myriad Genetics, Inc.
Classification: Benign for Familial cancer of breast. Last evaluated: 2024-09-06. Review status: criteria provided, single submitter. Criteria: Myriad Autosomal Dominant, Autosomal Recessive and X-Linked Classification Criteria (2023). Collection method: clinical testing. Allele origin: unknown.
Comment: This variant is considered benign. This variant is a silent/synonymous amino acid change and it is not expected to impact splicing.

Color Diagnostics, LLC DBA Color Health
Classification: Likely benign for Hereditary cancer-predisposing syndrome. Last evaluated: 2022-12-05. Review status: criteria provided, single submitter. Criteria: ACMG Guidelines, 2015. Collection method: clinical testing. Allele origin: germline.

Ambry Genetics
Classification: Likely benign for Hereditary cancer-predisposing syndrome. Last evaluated: 2015-09-23. Review status: criteria provided, single submitter. Criteria: Ambry Variant Classification Scheme 2023. Collection method: clinical testing. Allele origin: germline.